The following is an entry in ClinVar:

NM_144687.4(NLRP12):c.593C>T (p.Thr198Ile)

Gene: NLRP12 (NLR family pyrin domain containing 12; minus strand). Cytogenetic location: 19q13.42.
Variant type: single nucleotide variant.
Coding change: c.593C>T on transcript NM_144687.4 (MANE Select); coding-DNA position 593, C replaced by T.
Protein change: p.Thr198Ile; replaces threonine 198 with isoleucine.
Molecular consequence: missense variant.
Genome position (GRCh38, 1-based): chr19:53,811,066, G>A on the plus strand (C>T on the coding strand, the complement: NLRP12 is on the minus strand). VCF-style: chr19-53811066-G-A. GRCh37 (hg19) VCF-style: chr19-54314320-G-A.
Other names: c.593C>T (NM_144687.2); c.593C>T, p.Thr198Ile (NM_001277126.2, NM_001277129.1); short protein forms T198I.
Identifiers: ClinVar variation 2171146 (VCV002171146.5), dbSNP rs199829926, ClinGen allele CA9639669.
Genomic context (GRCh38, chr19:53,811,066, plus strand): 5'-GCGCCTTGCATGACCACGGTGCGCGGTGGCTCGGGGCGCTCCTCGTCTGGCTCAAAGAGG[G>A]TCTCTATCTTGATGGGGCTAGCCTGGTGTCCCACGGTCCTCGCGTGTCCCCGGCCTGTGT-3'
Protein context (NP_653288.1, residues 188-208): GHQASPIKIE[Thr198Ile]LFEPDEERPE

ClinVar aggregate classification (germline): Uncertain significance. Review status: criteria provided, multiple submitters, no conflicts (2 of 4 stars). 2 submissions from 2 submitters: Uncertain significance (2). Last evaluated 2025-09-02.

Conditions:
Inborn genetic diseases. Identifiers: MedGen C0950123, MeSH D030342.
Familial cold autoinflammatory syndrome 2 (FCAS2). Identifiers: Orphanet 247868, MedGen C2673198, MONDO:0012724, OMIM 611762.

Allele frequency attached by ClinVar (database versions not stated): ExAC 0.00001.
gnomAD v4.1: 2 of 1,612,890 alleles (0.00012%); highest among the groups gnomAD compares: Admixed American, 0.0033%; no homozygotes.

Submissions (2):

Labcorp Genetics (formerly Invitae), Labcorp
Classification: Uncertain significance for Familial cold autoinflammatory syndrome 2. Last evaluated: 2025-09-02. Review status: criteria provided, single submitter. Criteria: Invitae Variant Classification Sherloc (09022015). Collection method: clinical testing. Allele origin: germline.
Comment: This sequence change replaces threonine, which is neutral and polar, with isoleucine, which is neutral and non-polar, at codon 198 of the NLRP12 protein (p.Thr198Ile). This variant is present in population databases (rs199829926, gnomAD 0.006%). This variant has not been reported in the literature in individuals affected with NLRP12-related conditions. ClinVar contains an entry for this variant (Variation ID: 2171146). Invitae Evidence Modeling of protein sequence and biophysical properties (such as structural, functional, and spatial information, amino acid conservation, physicochemical variation, residue mobility, and thermodynamic stability) indicates that this missense variant is not expected to disrupt NLRP12 protein function with a negative predictive value of 80%. In summary, the available evidence is currently insufficient to determine the role of this variant in disease. Therefore, it has been classified as a Variant of Uncertain Significance.

Ambry Genetics
Classification: Uncertain significance for Inborn genetic diseases. Last evaluated: 2025-05-18. Review status: criteria provided, single submitter. Criteria: Ambry Variant Classification Scheme 2023. Collection method: clinical testing. Allele origin: germline.